The following is an entry in ClinVar:

ClinVar aggregate classification (germline): Uncertain significance. Review status: criteria provided, multiple submitters, no conflicts (2 of 4 stars). 3 submissions from 3 submitters: Uncertain significance (3). Last evaluated 2026-01-05.

Conditions:
Loeys-Dietz syndrome 4 (LDS4). Also called: ANEURYSM, AORTIC AND CEREBRAL, WITH ARTERIAL TORTUOSITY AND SKELETAL MANIFESTATIONS; TGFB2-Related Loeys-Dietz Syndrome. Identifiers: MedGen C3553762, MONDO:0013897, OMIM 614816.
Familial thoracic aortic aneurysm and aortic dissection (TAAD). Also called: Thoracic aortic aneurysms and dissections. Identifiers: Orphanet 91387, MedGen C4707243, MONDO:0019625.

Allele frequency attached by ClinVar (database versions not stated): gnomAD exomes 0.00001 and below 0.00001.
gnomAD v4.1: 2 of 1,613,870 alleles (0.00012%); highest among the groups gnomAD compares: Admixed American, 0.0033%; no homozygotes.

Submissions (3):

GeneDx
Classification: Uncertain significance. Last evaluated: 2026-01-05. Review status: criteria provided, single submitter. Criteria: GeneDx Variant Classification Process June 2021. Collection method: clinical testing. Allele origin: germline.
Comment: Not observed at significant frequency in large population cohorts (gnomAD); In silico analysis suggests that this missense variant does not alter protein structure/function; Has not been previously published as pathogenic or benign to our knowledge

Ambry Genetics
Classification: Uncertain significance for Familial thoracic aortic aneurysm and aortic dissection. Last evaluated: 2024-11-10. Review status: criteria provided, single submitter. Criteria: Ambry Variant Classification Scheme 2023. Collection method: clinical testing. Allele origin: germline.
Comment: The p.S52R variant (also known as c.156T>G), located in coding exon 1 of the TGFB2 gene, results from a T to G substitution at nucleotide position 156. The serine at codon 52 is replaced by arginine, an amino acid with dissimilar properties. This amino acid position is conserved. In addition, the in silico prediction for this alteration is inconclusive. Based on the available evidence, the clinical significance of this variant remains unclear.

Labcorp Genetics (formerly Invitae), Labcorp
Classification: Uncertain significance for Loeys-Dietz syndrome 4. Last evaluated: 2020-11-06. Review status: criteria provided, single submitter. Criteria: Invitae Variant Classification Sherloc (09022015). Collection method: clinical testing. Allele origin: germline.
Comment: In summary, the available evidence is currently insufficient to determine the role of this variant in disease. Therefore, it has been classified as a Variant of Uncertain Significance. This sequence change replaces serine with arginine at codon 52 of the TGFB2 protein (p.Ser52Arg). The serine residue is highly conserved and there is a moderate physicochemical difference between serine and arginine. This variant is not present in population databases (ExAC no frequency). Advanced modeling of protein sequence and biophysical properties (such as structural, functional, and spatial information, amino acid conservation, physicochemical variation, residue mobility, and thermodynamic stability) performed at Invitae indicates that this missense variant is not expected to disrupt TGFB2 protein function. This variant has not been reported in the literature in individuals with TGFB2-related conditions.

NM_003238.6(TGFB2):c.156T>G (p.Ser52Arg)

Gene: TGFB2 (transforming growth factor beta 2; plus strand). Cytogenetic location: 1q41.
Variant type: single nucleotide variant.
Coding change: c.156T>G on transcript NM_003238.6 (MANE Select); coding-DNA position 156, T replaced by G.
Protein change: p.Ser52Arg; replaces serine 52 with arginine.
Molecular consequence: missense variant. On other transcripts: non-coding transcript variant (2).
Genome position (GRCh38, 1-based): chr1:218,346,857, T>G. VCF-style: chr1-218346857-T-G. GRCh37 (hg19) VCF-style: chr1-218520199-T-G.
Other names: c.156T>G (NM_003238.3); c.156T>G, p.Ser52Arg (NM_001135599.4); short protein forms S52R.
Identifiers: ClinVar variation 1405235 (VCV001405235.11), dbSNP rs1431335293, ClinGen allele CA344725410.